The following is an entry in ClinVar:

ClinVar aggregate classification (germline): Benign (1 of 4 stars; one submission).

Allele frequency attached by ClinVar (database versions not stated): 1000 Genomes Project 0.14876; 1000 Genomes Project 30x 0.15959; gnomAD 0.16352 and 0.17162; TOPMed 0.17232.
gnomAD v4.1: 24,784 of 152,120 alleles (16%); highest among the groups gnomAD compares: African/African-American, 37%; 3,257 homozygotes.

Submission:

GeneDx
Classification: Benign. Last evaluated: 2018-06-14. Review status: criteria provided, single submitter. Criteria: GeneDx Variant Classification (06012015). Collection method: clinical testing. Allele origin: germline. Affected: yes.
Comment: This variant is considered likely benign or benign based on one or more of the following criteria: it is a conservative change, it occurs at a poorly conserved position in the protein, it is predicted to be benign by multiple in silico algorithms, and/or has population frequency not consistent with disease.

NM_000532.5(PCCB):c.764-316A>G

Gene: PCCB (propionyl-CoA carboxylase subunit beta; plus strand). Cytogenetic location: 3q22.3.
Variant type: single nucleotide variant.
Coding change: c.764-316A>G on transcript NM_000532.5 (MANE Select); 316 bases into the intron before coding-DNA position 764, A replaced by G.
Molecular consequence: intron variant.
Genome position (GRCh38, 1-based): chr3:136,297,636, A>G. VCF-style: chr3-136297636-A-G. GRCh37 (hg19) VCF-style: chr3-136016478-A-G.
Other names: c.824-316A>G (NM_001178014.2).
Identifiers: ClinVar variation 669529 (VCV000669529.1), dbSNP rs56336182, ClinGen allele CA11538897.
Genomic context (GRCh38, chr3:136,297,636, plus strand): 5'-GTCCGGCAGTAAACAGGGAAATAGGTGATGCAGAGAAAAGTACGGGAGGAGAACTCCCGC[A>G]TGGTATAGGGATGGATAGTGAAGGATCTGGGAGTGGGTATGGAGGTGACATTAGAGCAAG-3'